The following is an entry in ClinVar:

ClinVar aggregate classification (germline): Likely benign (1 of 4 stars; one submission).

Allele frequency attached by ClinVar (database versions not stated): gnomAD 0.00005; gnomAD exomes 0.00005; ExAC 0.00020.

Submission:

CeGaT Center for Human Genetics Tuebingen
Classification: Likely benign. Last evaluated: 2024-12-01. Review status: criteria provided, single submitter. Criteria: CeGaT Center For Human Genetics Tuebingen Variant Classification Criteria Version 2. Collection method: clinical testing. Allele origin: germline. Affected: yes. Observed: 5 variant alleles.
Comment: DSPP: BP4, BP7, BS2

NM_014208.3(DSPP):c.3408T>C (p.Ser1136=)

Genes: DMP1-AS1 (DMP1 and DSPP antisense RNA 1; minus strand), DSPP (dentin sialophosphoprotein; plus strand). Cytogenetic location: 4q22.1.
Variant type: single nucleotide variant.
Coding change: c.3408T>C on transcript NM_014208.3 (MANE Select); coding-DNA position 3408, T replaced by C.
Protein change: p.Ser1136=; no amino-acid change (serine 1136 retained).
Molecular consequence: synonymous variant.
Genome position (GRCh38, 1-based): chr4:87,616,070, T>C. VCF-style: chr4-87616070-T-C. GRCh37 (hg19) VCF-style: chr4-88537222-T-C.
Identifiers: ClinVar variation 2654916 (VCV002654916.24), dbSNP rs763659665, ClinGen allele CA3001661.